The following is an entry in ClinVar:

ClinVar aggregate classification (germline): Conflicting classifications of pathogenicity. Review status: criteria provided, conflicting classifications (1 of 4 stars). 8 submissions from 6 submitters: Uncertain significance (6); Benign (1); Likely benign (1). Last evaluated 2025-04-24.

Conditions:
Meacham syndrome. Also called: Meacham Winn Culler syndrome. Identifiers: Orphanet 3097, MedGen C1837026, MONDO:0012164, OMIM 608978.
Wilms tumor 1 (WT1). Also called: Wilms tumor, somatic. Identifiers: Orphanet 654, MedGen CN033288, MONDO:0008679, OMIM 194070.
Frasier syndrome. Identifiers: Orphanet 347, MedGen C0950122, MeSH D052159, MONDO:0007635, OMIM 136680.
11p partial monosomy syndrome (WAGR). Also called: CHROMOSOME 11p13 DELETION SYNDROME; WAGR syndrome; WAGR Complex; WAGR Spectrum Disorder. Identifiers: Orphanet 893, MedGen C0206115, MONDO:0008681, OMIM 194072.
Drash syndrome (DDS). Also called: NEPHROPATHY, WILMS TUMOR, AND GENITAL ANOMALIES; WILMS TUMOR AND PSEUDO- OR TRUE HERMAPHRODITISM. Identifiers: Orphanet 220, MedGen C0950121, MONDO:0008682, OMIM 194080.
Inborn genetic diseases. Identifiers: MedGen C0950123, MeSH D030342.
Mesothelioma, malignant (MESOM). Also called: Malignant mesothelioma (disease). Identifiers: Orphanet 50251, MedGen C0345967, MONDO:0006292, OMIM 156240, HP:0100001.
Nephrotic syndrome, type 4 (NPHS4). Also called: Familial mesangial sclerosis; Nephrotic syndrome, early onset with diffuse mesangial sclerosis. Identifiers: Orphanet 656, MedGen C3151568, MONDO:0009733, OMIM 256370.

Allele frequency attached by ClinVar (database versions not stated): ExAC below 0.00001; gnomAD exomes 0.00003; gnomAD 0.00006; TOPMed 0.00006.
gnomAD v4.1: 38 of 1,530,824 alleles (0.0025%); highest among the groups gnomAD compares: Admixed American, 0.031%; no homozygotes.

Submissions (8):

Labcorp Genetics (formerly Invitae), Labcorp
Classification: Likely benign for Wilms tumor 1; Drash syndrome; 11p partial monosomy syndrome; Frasier syndrome. Last evaluated: 2025-04-24. Review status: criteria provided, single submitter. Criteria: Invitae Variant Classification Sherloc (09022015). Collection method: clinical testing. Allele origin: germline.

Ambry Genetics
Classification: Benign for Inborn genetic diseases. Last evaluated: 2024-09-11. Review status: criteria provided, single submitter. Criteria: Ambry Variant Classification Scheme 2023. Collection method: clinical testing. Allele origin: germline.

Fulgent Genetics
Classification: Uncertain significance for Frasier syndrome; Mesothelioma, malignant; Wilms tumor 1; Drash syndrome; Nephrotic syndrome, type 4; Meacham syndrome. Last evaluated: 2024-06-19. Review status: criteria provided, single submitter. Criteria: ACMG Guidelines, 2015. Collection method: clinical testing. Allele origin: germline.

All of Us Research Program, National Institutes of Health
Classification: Uncertain significance for Wilms tumor 1. Last evaluated: 2023-12-13. Review status: criteria provided, single submitter. Criteria: ACMG Guidelines, 2015. Collection method: clinical testing. Allele origin: germline. Inheritance: Autosomal dominant inheritance. Observed: 12 variant alleles, 12 heterozygotes.
Comment: This variant is located in the WT1 protein. Computational prediction suggests that this variant may not impact protein structure and function (internally defined REVEL score threshold <= 0.5, PMID: 27666373). To our knowledge, functional studies have not been reported for this variant. This variant has not been reported in individuals affected with WT1-related disorders in the literature. This variant has been identified in 5/160972 chromosomes in the general population by the Genome Aggregation Database (gnomAD). The available evidence is insufficient to determine the role of this variant in disease conclusively. Therefore, this variant is classified as a Variant of Uncertain Significance.

This study involves interpretation of variants in research participants for the purpose of population health screening. Participant phenotype was not available at the time of variant classification. Additional details can be found in publication PMID: 35346344, PMCID: PMC8962531

Mendelics
Classification: Uncertain significance for Wilms tumor 1. Last evaluated: 2018-07-02. Review status: criteria provided, single submitter. Criteria: Mendelics Assertion Criteria 2017. Collection method: clinical testing. Allele origin: unknown.

Illumina Laboratory Services, Illumina
Classification: Uncertain significance for Wilms tumor 1. Last evaluated: 2018-01-13. Review status: criteria provided, single submitter. Criteria: ICSL Variant Classification Criteria 13 December 2019. Collection method: clinical testing. Allele origin: germline.

Illumina Laboratory Services, Illumina
Classification: Uncertain significance for Meacham syndrome. Last evaluated: 2018-01-13. Review status: criteria provided, single submitter. Criteria: ICSL Variant Classification Criteria 13 December 2019. Collection method: clinical testing. Allele origin: germline.

Illumina Laboratory Services, Illumina
Classification: Uncertain significance for Nephrotic syndrome, type 4. Last evaluated: 2018-01-13. Review status: criteria provided, single submitter. Criteria: ICSL Variant Classification Criteria 13 December 2019. Collection method: clinical testing. Allele origin: germline.

NM_024426.6(WT1):c.162C>G (p.Ser54Arg)

Genes: WT1 (WT1 transcription factor; minus strand), LOC107982234 (WT1/WT1-AS bi-directional promoter region; plus strand). Cytogenetic location: 11p13.
Variant type: single nucleotide variant.
Coding change: c.162C>G on transcript NM_024426.6 (MANE Select); coding-DNA position 162, C replaced by G.
Protein change: p.Ser54Arg; replaces serine 54 with arginine.
Molecular consequence: missense variant. On other transcripts: non-coding transcript variant (1).
Genome position (GRCh38, 1-based): chr11:32,435,199, G>C on the plus strand (C>G on the coding strand, the complement: WT1 is on the minus strand). VCF-style: chr11-32435199-G-C. GRCh37 (hg19) VCF-style: chr11-32456745-G-C.
Other names: c.162C>G, p.Ser54Arg (NM_000378.6, NM_024424.5); short protein forms S54R.
Identifiers: ClinVar variation 304429 (VCV000304429.18), dbSNP rs776954184, ClinGen allele CA064646.